The following is an entry in ClinVar:

NM_001136046.3(ZMYND15):c.1622_1636delinsCCAC (p.Leu541fs)

Gene: ZMYND15 (zinc finger MYND-type containing 15; plus strand). Cytogenetic location: 17p13.2.
Variant type: Indel.
Coding change: c.1622_1636delinsCCAC on transcript NM_001136046.3 (MANE Select); coding-DNA positions 1622 to 1636, TGCAGTTTGTAGGTG replaced by CCAC.
Protein change: p.Leu541fs; shifts the reading frame from leucine 541.
Molecular consequence: frameshift variant.
Genome position (GRCh38, 1-based): chr17:4,744,406-4,744,420, TGCAGTTTGTAGGTG replaced by CCAC. VCF-style: chr17-4744406-TGCAGTTTGTAGGTG-CCAC. GRCh37 (hg19) VCF-style: chr17-4647701-TGCAGTTTGTAGGTG-CCAC.
Other names: c.1622_1636delinsCCAC, p.Leu541fs (NM_001267822.1); c.1505_1519delinsCCAC, p.Leu502fs (NM_032265.2); short protein forms L502fs, L541fs.
Identifiers: ClinVar variation 982304 (VCV000982304.2), dbSNP rs2150630821, ClinGen allele CA2499224676.

ClinVar aggregate classification (germline): Pathogenic (0 of 4 stars; one submission).

Conditions:
Spermatogenic failure 14 (SPGF14). Identifiers: MedGen C4014454, MONDO:0014366, OMIM 615842.

Submission:

Institute of Reproductive and Stem Cell Engineering, Central South University
Classification: Pathogenic for Spermatogenic failure 14. Last evaluated: 2020-10-05. Review status: no assertion criteria provided. Collection method: research. Allele origin: germline. Inheritance: Autosomal recessive inheritance. Affected: yes. Observed: 1 variant allele, 1 homozygote.
Comment: Whole-exome and Sanger sequencing to identify suspected ZMYND15 variants in the 219 unrelated Chinese patients with SO, c.1622_1636delinsCCAC (p.Leu541Profs*39). In silico bioinformatic analyses as well as in vivo and in vitro experiments showed that the ZMYND15 variants carried by the affected subjects might be the underling cause for their infertility. This finding expand the disease phenotype spectrum by indicating that ZMYND15 variants cause SO and male infertility.